The following is an entry in ClinVar:

NM_007126.5(VCP):c.272A>G (p.Asn91Ser)

Gene: VCP (valosin containing protein; minus strand). Cytogenetic location: 9p13.3.
Variant type: single nucleotide variant.
Coding change: c.272A>G on transcript NM_007126.5 (MANE Select); coding-DNA position 272, A replaced by G.
Protein change: p.Asn91Ser; replaces asparagine 91 with serine.
Molecular consequence: missense variant.
Genome position (GRCh38, 1-based): chr9:35,067,921, T>C on the plus strand (A>G on the coding strand, the complement: VCP is on the minus strand). VCF-style: chr9-35067921-T-C. GRCh37 (hg19) VCF-style: chr9-35067918-T-C.
Other names: c.137A>G, p.Asn46Ser (NM_001354927.2, NM_001354928.2); short protein forms N46S, N91S.
Identifiers: ClinVar variation 3748166 (VCV003748166.2).

ClinVar aggregate classification (germline): Uncertain significance (1 of 4 stars; one submission).

Conditions:
Frontotemporal dementia and/or amyotrophic lateral sclerosis 6 (FTDALS6). Also called: VCP-Related Amyotrophic Lateral Sclerosis/Frontotemporal Dementia; VCP-Related Amyotrophic Lateral Sclerosis. Identifiers: Orphanet 275872, Orphanet 803, MedGen C5436279, MONDO:0013501, OMIM 613954.
Inclusion body myopathy with Paget disease of bone and frontotemporal dementia. Also called: Inclusion body myopathy with early-onset Paget disease and frontotemporal dementia. Identifiers: Orphanet 52430, MedGen C1833662, MONDO:0000507.

Submission:

Labcorp Genetics (formerly Invitae), Labcorp
Classification: Uncertain significance for Inclusion body myopathy with Paget disease of bone and frontotemporal dementia; Frontotemporal dementia and/or amyotrophic lateral sclerosis 6. Last evaluated: 2023-12-24. Review status: criteria provided, single submitter. Criteria: Invitae Variant Classification Sherloc (09022015). Collection method: clinical testing. Allele origin: germline.
Comment: This sequence change replaces asparagine, which is neutral and polar, with serine, which is neutral and polar, at codon 91 of the VCP protein (p.Asn91Ser). This variant is not present in population databases (gnomAD no frequency). This variant has not been reported in the literature in individuals affected with VCP-related conditions. Advanced modeling of protein sequence and biophysical properties (such as structural, functional, and spatial information, amino acid conservation, physicochemical variation, residue mobility, and thermodynamic stability) performed at Invitae indicates that this missense variant is expected to disrupt VCP protein function with a positive predictive value of 95%. In summary, the available evidence is currently insufficient to determine the role of this variant in disease. Therefore, it has been classified as a Variant of Uncertain Significance.